The following is an entry in ClinVar:

ClinVar aggregate classification (germline): Uncertain significance (1 of 4 stars; one submission).

Conditions:
X-linked lymphoproliferative disease due to XIAP deficiency. Also called: XIAP-Related Lymphoproliferative Disease, X-Linked; XIAP DEFICIENCY. Identifiers: Orphanet 2442, Orphanet 538934, MedGen C1845076, MONDO:0010385, OMIM 300635.

Submission:

Labcorp Genetics (formerly Invitae), Labcorp
Classification: Uncertain significance for X-linked lymphoproliferative disease due to XIAP deficiency. Last evaluated: 2023-03-23. Review status: criteria provided, single submitter. Criteria: Invitae Variant Classification Sherloc (09022015). Collection method: clinical testing. Allele origin: germline.
Comment: This variant has not been reported in the literature in individuals affected with XIAP-related conditions. Advanced modeling of protein sequence and biophysical properties (such as structural, functional, and spatial information, amino acid conservation, physicochemical variation, residue mobility, and thermodynamic stability) performed at Invitae indicates that this missense variant is not expected to disrupt XIAP protein function. In summary, the available evidence is currently insufficient to determine the role of this variant in disease. Therefore, it has been classified as a Variant of Uncertain Significance. This variant is not present in population databases (gnomAD no frequency). This sequence change replaces phenylalanine, which is neutral and non-polar, with serine, which is neutral and polar, at codon 228 of the XIAP protein (p.Phe228Ser).

NM_001167.4(XIAP):c.683T>C (p.Phe228Ser)

Gene: XIAP (X-linked inhibitor of apoptosis; plus strand). Cytogenetic location: Xq25.
Variant type: single nucleotide variant.
Coding change: c.683T>C on transcript NM_001167.4 (MANE Select); coding-DNA position 683, T replaced by C.
Protein change: p.Phe228Ser; replaces phenylalanine 228 with serine.
Molecular consequence: missense variant.
Genome position (GRCh38, 1-based): chrX:123,886,345, T>C. VCF-style: chrX-123886345-T-C. GRCh37 (hg19) VCF-style: chrX-123020195-T-C.
Other names: c.683T>C, p.Phe228Ser (NM_001204401.2, NM_001378590.1, NM_001378591.1 and 1 more transcripts); short protein forms F228S.
Identifiers: ClinVar variation 2848864 (VCV002848864.3), dbSNP rs140973844, ClinGen allele CA414124236.